The following is an entry in ClinVar:

ClinVar aggregate classification (germline): Conflicting classifications of pathogenicity. Review status: criteria provided, conflicting classifications (1 of 4 stars). 4 submissions from 4 submitters: Likely pathogenic (3); Uncertain significance (1). Last evaluated 2025-12-01.

Conditions:
Autosomal dominant Alport syndrome (ATS3A). Also called: ALPORT SYNDROME 3A, AUTOSOMAL DOMINANT; Alport syndrome dominant type; Renal failure and sensorineural hearing loss. Identifiers: Orphanet 63, Orphanet 88918, MedGen C5882663, MONDO:0007086, OMIM 104200.
Hematuria, benign familial, 2 (BFH2). Identifiers: MedGen C5830421, MONDO:0958186, OMIM 620320.
Alport syndrome 3b, autosomal recessive. Identifiers: MedGen C5882699, MONDO:0957811, OMIM 620536.
COL4A3-related disorder. Also called: COL4A3-related condition; COL4A3-Related Disorders.

Submissions (4):

CeGaT Center for Human Genetics Tuebingen
Classification: Likely pathogenic. Last evaluated: 2025-12-01. Review status: criteria provided, single submitter. Criteria: CeGaT Center For Human Genetics Tuebingen Variant Classification Criteria Version 2. Collection method: clinical testing. Allele origin: germline. Affected: yes. Observed: 2 variant alleles.
Comment: COL4A3: PM1:Strong, PM2, PM5

Fulgent Genetics
Classification: Likely pathogenic for Autosomal dominant Alport syndrome; Hematuria, benign familial, 2; Alport syndrome 3b, autosomal recessive. Last evaluated: 2024-01-08. Review status: criteria provided, single submitter. Criteria: ACMG Guidelines, 2015. Collection method: clinical testing. Allele origin: germline.

PreventionGenetics, part of Exact Sciences
Classification: Likely pathogenic for COL4A3-related condition. Last evaluated: 2023-10-02. Review status: criteria provided, single submitter. Criteria: ACMG Guidelines, 2015. Collection method: clinical testing. Allele origin: germline.
Comment: The COL4A3 c.1364G>T variant is predicted to result in the amino acid substitution p.Gly455Val. The p.Gly455 residue is located in the conserved triple helical domain, where substitutions of the glycine are usually pathogenic (UniProt residues 43-1438, Hudson et al. 1993. PubMed ID: 8253711). A different substitution of this amino acid (p.Gly455Cys) has been reported in a study of individuals with hematuric nephropathy (Morinière et al 2014. PubMed ID: 24854265). To our knowledge, this variant has not been reported in the literature or in a large population database, indicating this variant is rare. This variant is interpreted as likely pathogenic.

Women's Health and Genetics/Laboratory Corporation of America, LabCorp
Classification: Uncertain significance. Last evaluated: 2022-07-08. Review status: criteria provided, single submitter. Criteria: LabCorp Variant Classification Summary - May 2015. Collection method: clinical testing. Allele origin: germline.
Comment: Variant summary: COL4A3 c.1364G>T (p.Gly455Val) results in a non-conservative amino acid change located in the Collagen triple helix repeat (IPR008160) of the encoded protein sequence. Five of five in-silico tools predict a damaging effect of the variant on protein function. The variant was absent in 249426 control chromosomes. The available data on variant occurrences in the general population are insufficient to allow any conclusion about variant significance. To our knowledge, no occurrence of c.1364G>T in individuals affected with Alport Syndrome, Autosomal Recessive and no experimental evidence demonstrating its impact on protein function have been reported. No clinical diagnostic laboratories have submitted clinical-significance assessments for this variant to ClinVar after 2014. Based on the evidence outlined above, the variant was classified as uncertain significance.

NM_000091.5(COL4A3):c.1364G>T (p.Gly455Val)

Genes: COL4A3 (collagen type IV alpha 3 chain; plus strand), MFF-DT (MFF divergent transcript; minus strand). Cytogenetic location: 2q36.3.
Variant type: single nucleotide variant.
Coding change: c.1364G>T on transcript NM_000091.5 (MANE Select); coding-DNA position 1364, G replaced by T.
Protein change: p.Gly455Val; replaces glycine 455 with valine.
Molecular consequence: missense variant.
Genome position (GRCh38, 1-based): chr2:227,266,465, G>T. VCF-style: chr2-227266465-G-T. GRCh37 (hg19) VCF-style: chr2-228131181-G-T.
Other names: short protein forms G455V.
Identifiers: ClinVar variation 1704637 (VCV001704637.31), dbSNP rs2070897613, ClinGen allele CA350870138.